The following is an entry in ClinVar:

ClinVar aggregate classification (germline): Conflicting classifications of pathogenicity. Review status: criteria provided, conflicting classifications (1 of 4 stars). 4 submissions from 4 submitters: Uncertain significance (3); Likely benign (1). Last evaluated 2025-11-17.

Conditions:
Sessile serrated polyposis cancer syndrome (SSPCS). Identifiers: Orphanet 157798, MedGen C4310714, MONDO:0014919, OMIM 617108.

Allele frequency attached by ClinVar (database versions not stated): gnomAD 0.00001; gnomAD exomes 0.00001 and 0.00002; TOPMed 0.00002; ExAC 0.00003; 1000 Genomes Project 30x 0.00016; 1000 Genomes Project 0.00020.
gnomAD v4.1: 23 of 1,611,562 alleles (0.0014%); highest among the groups gnomAD compares: East Asian, 0.013%; no homozygotes.

Submissions (4):

Labcorp Genetics (formerly Invitae), Labcorp
Classification: Uncertain significance. Last evaluated: 2025-11-17. Review status: criteria provided, single submitter. Criteria: Invitae Variant Classification Sherloc (09022015). Collection method: clinical testing. Allele origin: germline.
Comment: This sequence change replaces serine, which is neutral and polar, with leucine, which is neutral and non-polar, at codon 607 of the RNF43 protein (p.Ser607Leu). This variant is present in population databases (rs200066146, gnomAD 0.006%). This variant has not been reported in the literature in individuals affected with RNF43-related conditions. ClinVar contains an entry for this variant (Variation ID: 1419089). An algorithm developed to predict the effect of missense changes on protein structure and function outputs the following: PolyPhen-2: "Benign". The leucine amino acid residue is found in multiple mammalian species, which suggests that this missense change does not adversely affect protein function. In summary, the available evidence is currently insufficient to determine the role of this variant in disease. Therefore, it has been classified as a Variant of Uncertain Significance.

Ambry Genetics
Classification: Likely benign. Last evaluated: 2025-03-06. Review status: criteria provided, single submitter. Criteria: Ambry Variant Classification Scheme 2023. Collection method: clinical testing. Allele origin: germline.

GeneDx
Classification: Uncertain significance. Last evaluated: 2024-09-24. Review status: criteria provided, single submitter. Criteria: GeneDx Variant Classification Process June 2021. Collection method: clinical testing. Allele origin: germline. Affected: yes.
Comment: Published functional studies demonstrate no damaging effect on protein phosphorylation (PMID: 32934222); In silico analysis indicates that this missense variant does not alter protein structure/function; Not observed at significant frequency in large population cohorts (gnomAD); This variant is associated with the following publications: (PMID: 36358773, 32934222)

Baylor Genetics
Classification: Uncertain significance for Sessile serrated polyposis cancer syndrome. Last evaluated: 2023-10-30. Review status: criteria provided, single submitter. Criteria: ACMG Guidelines, 2015. Collection method: clinical testing. Allele origin: unknown.

NM_017763.6(RNF43):c.1820C>T (p.Ser607Leu)

Gene: RNF43 (ring finger protein 43; minus strand). Cytogenetic location: 17q22.
Variant type: single nucleotide variant.
Coding change: c.1820C>T on transcript NM_017763.6 (MANE Select); coding-DNA position 1820, C replaced by T.
Protein change: p.Ser607Leu; replaces serine 607 with leucine.
Molecular consequence: missense variant.
Genome position (GRCh38, 1-based): chr17:58,357,956, G>A on the plus strand (C>T on the coding strand, the complement: RNF43 is on the minus strand). VCF-style: chr17-58357956-G-A. GRCh37 (hg19) VCF-style: chr17-56435317-G-A.
Other names: c.1820C>T, p.Ser607Leu (NM_001305544.3); c.1439C>T, p.Ser480Leu (NM_001305545.2); c.1820C>T (NM_017763.4); short protein forms S607L, S480L.
Identifiers: ClinVar variation 1419089 (VCV001419089.11), dbSNP rs200066146, ClinGen allele CA8673108.
Genomic context (GRCh38, chr17:58,357,956, plus strand): 5'-ACTGGGCCAGGGGCTGGCTCAGGGAGGGCCCTGGGGCACTGTGGGTTAGAGAGCCGCCCC[G>A]AAGGGGCTGCTGAGTTGGATCTGGTGACTTGCTGATCAGGAGAAGGTGGCTCTGGCTGGG-3'
Protein context (NP_060233.3, residues 597-617): QVTRSNSAAP[Ser607Leu]GRLSNPQCPR